The following is an entry in ClinVar:

NM_000257.4(MYH7):c.1753A>G (p.Ile585Val)

Gene: MYH7 (myosin heavy chain 7; minus strand). Cytogenetic location: 14q11.2.
Variant type: single nucleotide variant.
Coding change: c.1753A>G on transcript NM_000257.4 (MANE Select); coding-DNA position 1753, A replaced by G.
Protein change: p.Ile585Val; replaces isoleucine 585 with valine.
Molecular consequence: missense variant.
Genome position (GRCh38, 1-based): chr14:23,427,720, T>C on the plus strand (A>G on the coding strand, the complement: MYH7 is on the minus strand). VCF-style: chr14-23427720-T-C. GRCh37 (hg19) VCF-style: chr14-23896929-T-C.
Other names: short protein forms I585V.
Identifiers: ClinVar variation 1039470 (VCV001039470.8), dbSNP rs886038845, ClinGen allele CA389049890.

ClinVar aggregate classification (germline): Uncertain significance (1 of 4 stars; one submission).

Conditions:
Hypertrophic cardiomyopathy. Also called: HYPERTROPHIC MYOCARDIOPATHY. Identifiers: Orphanet 217569, MedGen C0007194, MeSH D002312, MONDO:0005045, HP:0001639.

Submission:

Labcorp Genetics (formerly Invitae), Labcorp
Classification: Uncertain significance for Hypertrophic cardiomyopathy. Last evaluated: 2020-03-10. Review status: criteria provided, single submitter. Criteria: Invitae Variant Classification Sherloc (09022015). Collection method: clinical testing. Allele origin: germline.
Comment: This sequence change replaces isoleucine with valine at codon 585 of the MYH7 protein (p.Ile585Val). The isoleucine residue is weakly conserved and there is a small physicochemical difference between isoleucine and valine. This variant is not present in population databases (ExAC no frequency). This variant has not been reported in the literature in individuals with MYH7-related conditions. Algorithms developed to predict the effect of missense changes on protein structure and function (SIFT, PolyPhen-2, Align-GVGD) all suggest that this variant is likely to be tolerated, but these predictions have not been confirmed by published functional studies and their clinical significance is uncertain. This variant is found within a region of MYH7 between codons 181 and 937 that contains the majority of the myosin head domain. Missense variants in this region have been shown to be significantly overrepresented in individuals with hypertrophic cardiomyopathy (PMID: 27532257). In summary, the available evidence is currently insufficient to determine the role of this variant in disease. Therefore, it has been classified as a Variant of Uncertain Significance.

Literature cited by the submitters: PubMed 27532257.